The following is an entry in ClinVar:

ClinVar aggregate classification (germline): Uncertain significance (1 of 4 stars; one submission).

Allele frequency attached by ClinVar (database versions not stated): gnomAD 0.00001; gnomAD exomes 0.00001; ExAC 0.00004; TOPMed 0.00005.
gnomAD v4.1: 22 of 1,613,936 alleles (0.0014%); highest among the groups gnomAD compares: Admixed American, 0.018%; no homozygotes.

Submission:

Labcorp Genetics (formerly Invitae), Labcorp
Classification: Uncertain significance. Last evaluated: 2025-10-01. Review status: criteria provided, single submitter. Criteria: Invitae Variant Classification Sherloc (09022015). Collection method: clinical testing. Allele origin: germline.
Comment: This sequence change replaces valine, which is neutral and non-polar, with methionine, which is neutral and non-polar, at codon 409 of the CAMTA1 protein (p.Val409Met). This variant is present in population databases (rs755075511, gnomAD 0.01%). This variant has not been reported in the literature in individuals affected with CAMTA1-related conditions. ClinVar contains an entry for this variant (Variation ID: 2176150). Invitae Evidence Modeling of protein sequence and biophysical properties (such as structural, functional, and spatial information, amino acid conservation, physicochemical variation, residue mobility, and thermodynamic stability) indicates that this missense variant is not expected to disrupt CAMTA1 protein function with a negative predictive value of 80%. In summary, the available evidence is currently insufficient to determine the role of this variant in disease. Therefore, it has been classified as a Variant of Uncertain Significance.

NM_015215.4(CAMTA1):c.1225G>A (p.Val409Met)

Gene: CAMTA1 (calmodulin binding transcription activator 1; plus strand). Cytogenetic location: 1p36.23.
Variant type: single nucleotide variant.
Coding change: c.1225G>A on transcript NM_015215.4 (MANE Select); coding-DNA position 1225, G replaced by A.
Protein change: p.Val409Met; replaces valine 409 with methionine.
Molecular consequence: missense variant.
Genome position (GRCh38, 1-based): chr1:7,663,772, G>A. VCF-style: chr1-7663772-G-A. GRCh37 (hg19) VCF-style: chr1-7723832-G-A.
Other names: c.1135G>A, p.Val379Met (NM_001349608.2, NM_001349612.2); c.1225G>A, p.Val409Met (NM_001349609.2, NM_001349610.2, NM_001410737.1); c.1153G>A, p.Val385Met (NM_001410738.1); short protein forms V379M, V385M, V409M.
Identifiers: ClinVar variation 2176150 (VCV002176150.4), dbSNP rs755075511, ClinGen allele CA566404.